The following is an entry in ClinVar:

NM_004628.5(XPC):c.2815C>A (p.Gln939Lys)

Gene: XPC (XPC complex subunit, DNA damage recognition and repair factor; minus strand). Cytogenetic location: 3p25.1.
Variant type: single nucleotide variant.
Coding change: c.2815C>A on transcript NM_004628.5 (MANE Select); coding-DNA position 2815, C replaced by A.
Protein change: p.Gln939Lys; replaces glutamine 939 with lysine.
Molecular consequence: missense variant. On other transcripts: non-coding transcript variant (2).
Genome position (GRCh38, 1-based): chr3:14,145,949, G>T on the plus strand (C>A on the coding strand, the complement: XPC is on the minus strand). VCF-style: chr3-14145949-G-T. GRCh37 (hg19) VCF-style: chr3-14187449-G-T.
Other names: c.2236C>A, p.Gln746Lys (NM_001354726.2); c.2809C>A, p.Gln937Lys (NM_001354727.2); c.2797C>A, p.Gln933Lys (NM_001354729.2); c.2569C>A, p.Gln857Lys (NM_001354730.2); short protein forms Q939K, Q857K, Q933K, Q937K, Q746K.
Identifiers: ClinVar variation 190215 (VCV000190215.46), dbSNP rs2228001, ClinGen allele CA199619.

ClinVar aggregate classification (germline): Benign/Likely benign. Review status: criteria provided, multiple submitters, no conflicts (2 of 4 stars). 11 submissions from 11 submitters: Benign (9); Likely benign (2). Last evaluated 2026-02-04.

Conditions:
Xeroderma pigmentosum, group C (XPC). Also called: Xeroderma pigmentosum, complementation group C; XPC-Related Xeroderma Pigmentosum; XERODERMA PIGMENTOSUM III; XP, GROUP C. Identifiers: Orphanet 910, MedGen C2752147, MONDO:0010211, OMIM 278720.

Allele frequency attached by ClinVar (database versions not stated): gnomAD exomes 0.60886 and 0.63346; ExAC 0.63254; ESP Exome Variant Server 0.64206; gnomAD 0.64774 and 0.64910; TOPMed 0.64883; 1000 Genomes Project 0.68470; 1000 Genomes Project 30x 0.68848.
gnomAD v4.1: 981,460 of 1,602,772 alleles (61%); highest among the groups gnomAD compares: African/African-American, 73%; 302,541 homozygotes.

Submissions (11):

Labcorp Genetics (formerly Invitae), Labcorp
Classification: Benign. Last evaluated: 2026-02-04. Review status: criteria provided, single submitter. Criteria: Invitae Variant Classification Sherloc (09022015). Collection method: clinical testing. Allele origin: germline.

Blueprint Genetics
Classification: Likely benign. Last evaluated: 2024-11-26. Review status: criteria provided, single submitter. Criteria: ACMG Guidelines, 2015. Collection method: clinical testing. Allele origin: germline.

CeGaT Center for Human Genetics Tuebingen
Classification: Benign. Last evaluated: 2023-07-01. Review status: criteria provided, single submitter. Criteria: CeGaT Center For Human Genetics Tuebingen Variant Classification Criteria Version 2. Collection method: clinical testing. Allele origin: germline. Affected: yes. Observed: 1 variant allele.
Comment: XPC: BP4, BS1, BS2

Genome-Nilou Lab
Classification: Benign for Xeroderma pigmentosum, group C. Last evaluated: 2021-12-05. Review status: criteria provided, single submitter. Criteria: ACMG Guidelines, 2015. Collection method: clinical testing. Allele origin: germline. Affected: no.

GeneDx
Classification: Benign. Last evaluated: 2019-01-10. Review status: criteria provided, single submitter. Criteria: GeneDx Variant Classification Process June 2021. Collection method: clinical testing. Allele origin: germline. Affected: yes.
Comment: This variant is associated with the following publications: (PMID: 20056640, 23819639, 20658464, 23400628, 15700316, 19027756, 23269608, 20193233, 14729591, 27153395)

Women's Health and Genetics/Laboratory Corporation of America, LabCorp
Classification: Benign. Last evaluated: 2018-08-27. Review status: criteria provided, single submitter. Criteria: LabCorp Variant Classification Summary - May 2015. Collection method: clinical testing. Allele origin: germline.
Comment: Variant summary: XPC c.2815C>A (p.Gln939Lys) results in a conservative amino acid change in the encoded protein sequence. Five of five in-silico tools predict a benign effect of the variant on protein function. The variant allele was found at a frequency of 0.64 in 275306 control chromosomes, suggesting that it is the major allele and therefore benign. The observed variant frequency is approximately 450-folds higher than the estimated maximal expected allele frequency for a pathogenic variant in XPC causing Xeroderma Pigmentosum phenotype (0.0014), strongly suggesting that the variant is benign. The variant has been found to have a slightly associated increased risk for cancer (He_2013) however the relevance of this finding to an inherited cause of Xeroderma Pigmentosum is not unlikely. A ClinVar submisson from another clinical diagnostic laboratory (evaluation after 2014) cites the variant as "likely benign." Based on the evidence outlined above, the variant was classified as benign.

Illumina Laboratory Services, Illumina
Classification: Benign for Xeroderma pigmentosum, group C. Last evaluated: 2018-03-06. Review status: criteria provided, single submitter. Criteria: ICSL Variant Classification Criteria 13 December 2019. Collection method: clinical testing. Allele origin: germline.
Comment: This variant was observed in the ICSL laboratory as part of a predisposition screen in an ostensibly healthy population. It had not been previously curated by ICSL or reported in the Human Gene Mutation Database (HGMD: prior to June 1st, 2018), and was therefore a candidate for classification through an automated scoring system. Utilizing variant allele frequency, disease prevalence and penetrance estimates, and inheritance mode, an automated score was calculated to assess if this variant is too frequent to cause the disease. Based on the score and internal cut-off values, a variant classified as benign is not then subjected to further curation. The score for this variant resulted in a classification of benign for this disease.

Mayo Clinic Laboratories, Mayo Clinic
Classification: Benign. Last evaluated: 2015-09-10. Review status: criteria provided, single submitter. Criteria: ACMG Guidelines, 2015. Collection method: clinical testing. Allele origin: germline. Observed: 512 variant alleles.

Claritas Genomics
Classification: Benign. Last evaluated: 2012-06-20. Review status: criteria provided, single submitter. Criteria: ACMG Guidelines, 2007. Collection method: clinical testing. Allele origin: germline. Inheritance: Autosomal recessive inheritance.

Breakthrough Genomics
Classification: Likely benign. Review status: criteria provided, single submitter. Criteria: ACMG Guidelines, 2015. Collection method: not provided. Allele origin: germline. Inheritance: Autosomal recessive inheritance. Affected: yes.

PreventionGenetics, part of Exact Sciences
Classification: Benign. Review status: criteria provided, single submitter. Criteria: ACMG Guidelines, 2015. Collection method: clinical testing. Allele origin: germline.

Literature cited by the submitters: PubMed 23400628 (cited by Women's Health and Genetics/Laboratory Corporation of America, LabCorp).